The following is an entry in ClinVar:

NM_201548.5(CERKL):c.*1159C>T

Genes: CERKL (CERK like autophagy regulator; minus strand), ITGA4 (integrin subunit alpha 4; plus strand). Cytogenetic location: 2q31.3.
Variant type: single nucleotide variant.
Coding change: c.*1159C>T on transcript NM_201548.5 (MANE Select); 1159 bases downstream of the stop codon, C replaced by T.
Molecular consequence: 3 prime UTR variant. On other transcripts: non-coding transcript variant (2).
Genome position (GRCh38, 1-based): chr2:181,537,025, G>A on the plus strand (C>T on the coding strand, the complement: CERKL is on the minus strand). VCF-style: chr2-181537025-G-A. GRCh37 (hg19) VCF-style: chr2-182401752-G-A.
Other names: c.*1498G>A (NM_000885.6); c.*1159C>T (NM_001030311.3, NM_001030312.3, NM_001030313.3 and 1 more transcripts).
Identifiers: ClinVar variation 332981 (VCV000332981.6), dbSNP rs1047307, ClinGen allele CA2010246.

ClinVar aggregate classification (germline): Benign. Review status: criteria provided, multiple submitters, no conflicts (2 of 4 stars). 2 submissions from 2 submitters: Benign (2). Last evaluated 2018-01-13.

Conditions:
Retinitis pigmentosa (RP). Identifiers: Orphanet 791, MedGen C0035334, MeSH D012174, MONDO:0019200, OMIM 268000. Inheritance: Autosomal dominant, autosomal recessive and X linked inheritance.

Allele frequency attached by ClinVar (database versions not stated): gnomAD 0.31602; TOPMed 0.32015; 1000 Genomes Project 30x 0.37164; 1000 Genomes Project 0.38179; gnomAD exomes 0.40892 and 0.40929; ExAC 0.55910.
gnomAD v4.1: 168,958 of 444,670 alleles (38%); highest among the groups gnomAD compares: South Asian, 62%; 35,181 homozygotes.

Submissions (2):

Illumina Laboratory Services, Illumina
Classification: Benign for Retinitis pigmentosa. Last evaluated: 2018-01-13. Review status: criteria provided, single submitter. Criteria: ICSL Variant Classification Criteria 13 December 2019. Collection method: clinical testing. Allele origin: germline.
Comment: This variant was observed in the ICSL laboratory as part of a predisposition screen in an ostensibly healthy population. It had not been previously curated by ICSL or reported in the Human Gene Mutation Database (HGMD: prior to June 1st, 2018), and was therefore a candidate for classification through an automated scoring system. Utilizing variant allele frequency, disease prevalence and penetrance estimates, and inheritance mode, an automated score was calculated to assess if this variant is too frequent to cause the disease. Based on the score and internal cut-off values, a variant classified as benign is not then subjected to further curation. The score for this variant resulted in a classification of benign for this disease.

Breakthrough Genomics
Classification: Benign. Review status: criteria provided, single submitter. Criteria: ACMG Guidelines, 2015. Collection method: not provided. Allele origin: germline. Inheritance: Autosomal recessive inheritance. Affected: yes.